The following is an entry in ClinVar:

ClinVar aggregate classification (germline): Uncertain significance (1 of 4 stars; one submission).

gnomAD v4.1: 2 of 1,613,974 alleles (0.00012%); highest among the groups gnomAD compares: Non-Finnish European, 0.00017%; no homozygotes.

Submission:

Labcorp Genetics (formerly Invitae), Labcorp
Classification: Uncertain significance. Last evaluated: 2022-05-15. Review status: criteria provided, single submitter. Criteria: Invitae Variant Classification Sherloc (09022015). Collection method: clinical testing. Allele origin: germline.
Comment: In summary, the available evidence is currently insufficient to determine the role of this variant in disease. Therefore, it has been classified as a Variant of Uncertain Significance. Algorithms developed to predict the effect of missense changes on protein structure and function are either unavailable or do not agree on the potential impact of this missense change (SIFT: "Not Available"; PolyPhen-2: "Benign"; Align-GVGD: "Not Available"). This variant has not been reported in the literature in individuals affected with UNC80-related conditions. This variant is not present in population databases (gnomAD no frequency). This sequence change replaces threonine, which is neutral and polar, with asparagine, which is neutral and polar, at codon 230 of the UNC80 protein (p.Thr230Asn).

NM_001371986.1(UNC80):c.689C>A (p.Thr230Asn)

Gene: UNC80 (unc-80 subunit of NALCN channel complex; plus strand). Cytogenetic location: 2q34.
Variant type: single nucleotide variant.
Coding change: c.689C>A on transcript NM_001371986.1 (MANE Select); coding-DNA position 689, C replaced by A.
Protein change: p.Thr230Asn; replaces threonine 230 with asparagine.
Molecular consequence: missense variant.
Genome position (GRCh38, 1-based): chr2:209,786,154, C>A. VCF-style: chr2-209786154-C-A. GRCh37 (hg19) VCF-style: chr2-210650878-C-A.
Other names: c.689C>A, p.Thr230Asn (NM_032504.2, NM_182587.4); short protein forms T230N.
Identifiers: ClinVar variation 1972202 (VCV001972202.5), dbSNP rs1168398114, ClinGen allele CA350131769.
Genomic context (GRCh38, chr2:209,786,154, plus strand): 5'-GTGGGCTTGTTATATGGCAGCCCATGTGGGAACACAGACAGCCCGGAGTCTCTGGCTTTA[C>A]CGCACTGGTGAAGCCCATCAGGAACATCATTACAGGTTTGTAACTTGGACACTCAGTAGG-3'
Protein context (NP_001358915.1, residues 220-240): EHRQPGVSGF[Thr230Asn]ALVKPIRNII